The following is an entry in ClinVar:

NM_000048.4(ASL):c.736G>A (p.Ala246Thr)

Gene: ASL (argininosuccinate lyase; plus strand). Cytogenetic location: 7q11.21.
Variant type: single nucleotide variant.
Coding change: c.736G>A on transcript NM_000048.4 (MANE Select); coding-DNA position 736, G replaced by A.
Protein change: p.Ala246Thr; replaces alanine 246 with threonine.
Molecular consequence: missense variant.
Genome position (GRCh38, 1-based): chr7:66,088,824, G>A. VCF-style: chr7-66088824-G-A. GRCh37 (hg19) VCF-style: chr7-65553811-G-A.
Other names: c.736G>A, p.Ala246Thr (NM_001024943.2, NM_001024944.2); c.658G>A, p.Ala220Thr (NM_001024946.2); short protein forms A246T, A220T.
Identifiers: ClinVar variation 2012825 (VCV002012825.1), dbSNP rs777232999, ClinGen allele CA367645127.

ClinVar aggregate classification (germline): Uncertain significance (1 of 4 stars; one submission).

Conditions:
Argininosuccinate lyase deficiency. Also called: Argininosuccinic aciduria; ARGININOSUCCINIC ACID LYASE DEFICIENCY; ASL DEFICIENCY. Identifiers: Orphanet 23, MedGen C0268547, MONDO:0008815, OMIM 207900, HP:0025630.

Submission:

Labcorp Genetics (formerly Invitae), Labcorp
Classification: Uncertain significance for Argininosuccinate lyase deficiency. Last evaluated: 2022-07-03. Review status: criteria provided, single submitter. Criteria: Invitae Variant Classification Sherloc (09022015). Collection method: clinical testing. Allele origin: germline.
Comment: This sequence change replaces alanine, which is neutral and non-polar, with threonine, which is neutral and polar, at codon 246 of the ASL protein (p.Ala246Thr). This variant is not present in population databases (gnomAD no frequency). This variant has not been reported in the literature in individuals affected with ASL-related conditions. Advanced modeling of protein sequence and biophysical properties (such as structural, functional, and spatial information, amino acid conservation, physicochemical variation, residue mobility, and thermodynamic stability) performed at Invitae indicates that this missense variant is expected to disrupt ASL protein function. In summary, the available evidence is currently insufficient to determine the role of this variant in disease. Therefore, it has been classified as a Variant of Uncertain Significance.